The following is an entry in ClinVar:

NM_020433.5(JPH2):c.1736C>T (p.Pro579Leu)

Gene: JPH2 (junctophilin 2; minus strand). Cytogenetic location: 20q13.12.
Variant type: single nucleotide variant.
Coding change: c.1736C>T on transcript NM_020433.5 (MANE Select); coding-DNA position 1736, C replaced by T.
Protein change: p.Pro579Leu; replaces proline 579 with leucine.
Molecular consequence: missense variant.
Genome position (GRCh38, 1-based): chr20:44,115,939, G>A on the plus strand (C>T on the coding strand, the complement: JPH2 is on the minus strand). VCF-style: chr20-44115939-G-A. GRCh37 (hg19) VCF-style: chr20-42744579-G-A.
Other names: c.1736C>T (NM_020433.4); short protein forms P579L.
Identifiers: ClinVar variation 1034616 (VCV001034616.10), dbSNP rs953353202, ClinGen allele CA314642524.

ClinVar aggregate classification (germline): Conflicting classifications of pathogenicity. Review status: criteria provided, conflicting classifications (1 of 4 stars). 3 submissions from 3 submitters: Uncertain significance (2); Likely benign (1). Last evaluated 2026-05-22.

Conditions:
Hypertrophic cardiomyopathy. Also called: HYPERTROPHIC MYOCARDIOPATHY. Identifiers: Orphanet 217569, MedGen C0007194, MeSH D002312, MONDO:0005045, HP:0001639.
JPH2-related disorder. Also called: JPH2-related condition.
Cardiovascular phenotype. Identifiers: MedGen CN230736.

Allele frequency attached by ClinVar (database versions not stated): gnomAD exomes 0.00002; TOPMed 0.00004.
gnomAD v4.1: 16 of 1,568,946 alleles (0.001%); highest among the groups gnomAD compares: Admixed American, 0.013%; no homozygotes.

Submissions (3):

PreventionGenetics, part of Exact Sciences
Classification: Uncertain significance for JPH2-related condition. Last evaluated: 2026-05-22. Review status: criteria provided, single submitter. Criteria: ACMG Guidelines, 2015. Collection method: clinical testing. Allele origin: germline.
Comment: The JPH2 c.1736C>T variant is predicted to result in the amino acid substitution p.Pro579Leu. This variant has been reported as a variant of uncertain significance in individuals with dilated cardiomyopathy (Cuesta-Llavona et al. 2022. doi 10.3390/cardiogenetics12020018; Pérez-Serra et al. 2024. PubMed ID: 38612618). This variant has also been reported in a cohort of individuals referred for genetic testing of cardiomyopathy and/or arrhythmia; however, detailed clinical information was not available (Supplement 2, Dellefave-Castillo et al. 2022. PubMed ID: 35947370). This variant is reported in 0.014% of alleles in individuals of Latino descent in gnomAD. At this time, the clinical significance of this variant is uncertain due to the absence of conclusive functional and genetic evidence.

Labcorp Genetics (formerly Invitae), Labcorp
Classification: Uncertain significance for Hypertrophic cardiomyopathy. Last evaluated: 2025-10-21. Review status: criteria provided, single submitter. Criteria: Invitae Variant Classification Sherloc (09022015). Collection method: clinical testing. Allele origin: germline.
Comment: This sequence change replaces proline, which is neutral and non-polar, with leucine, which is neutral and non-polar, at codon 579 of the JPH2 protein (p.Pro579Leu). This variant is present in population databases (no rsID available, gnomAD 0.01%). This variant has not been reported in the literature in individuals affected with JPH2-related conditions. ClinVar contains an entry for this variant (Variation ID: 1034616). An algorithm developed to predict the effect of missense changes on protein structure and function (PolyPhen-2) suggests that this variant is likely to be tolerated. In summary, the available evidence is currently insufficient to determine the role of this variant in disease. Therefore, it has been classified as a Variant of Uncertain Significance.

Ambry Genetics
Classification: Likely benign for Cardiovascular phenotype. Last evaluated: 2024-10-11. Review status: criteria provided, single submitter. Criteria: Ambry Variant Classification Scheme 2023. Collection method: clinical testing. Allele origin: germline.